The following is an entry in ClinVar:

NM_198076.6(COX20):c.205G>A (p.Val69Met)

Gene: COX20 (cytochrome c oxidase assembly factor COX20; plus strand). Cytogenetic location: 1q44.
Variant type: single nucleotide variant.
Coding change: c.205G>A on transcript NM_198076.6 (MANE Select); coding-DNA position 205, G replaced by A.
Protein change: p.Val69Met; replaces valine 69 with methionine.
Molecular consequence: missense variant. On other transcripts: 3 prime UTR variant (1), non-coding transcript variant (3).
Genome position (GRCh38, 1-based): chr1:244,842,242, G>A. VCF-style: chr1-244842242-G-A. GRCh37 (hg19) VCF-style: chr1-245005544-G-A.
Other names: p.V69M:GTG>ATG; p.Val69Met; c.205G>A, p.Val69Met (NM_001312871.1); c.241G>A, p.Val81Met (NM_001312872.1); c.70G>A, p.Val24Met (NM_001312873.1); c.*15G>A (NM_001312874.1); short protein forms V69M, V24M, V81M.
Identifiers: ClinVar variation 214272 (VCV000214272.9), dbSNP rs185166083, ClinGen allele CA320718.

ClinVar aggregate classification (germline): Uncertain significance. Review status: criteria provided, multiple submitters, no conflicts (2 of 4 stars). 4 submissions from 4 submitters: Uncertain significance (4). Last evaluated 2026-10-22.

Conditions:
Mitochondrial complex IV deficiency, nuclear type 11. Also called: Mitochondrial complex 4 deficiency, nuclear type 11. Identifiers: MedGen C5436694, MONDO:0033645, OMIM 619054.

Allele frequency attached by ClinVar (database versions not stated): ExAC 0.00015; 1000 Genomes Project 0.00020; gnomAD exomes 0.00012 and 0.00026; ESP Exome Variant Server 0.00038; gnomAD 0.00013; TOPMed 0.00014; 1000 Genomes Project 30x 0.00016.
gnomAD v4.1: 390 of 1,607,772 alleles (0.024%); highest among the groups gnomAD compares: Non-Finnish European, 0.032%; no homozygotes.

Submissions (4):

GeneDx
Classification: Uncertain significance. Last evaluated: 2026-10-22. Review status: criteria provided, single submitter. Criteria: GeneDx Variant Classification Process June 2021. Collection method: clinical testing. Allele origin: germline.
Comment: In silico analysis suggests that this missense variant does not alter protein structure/function; Has not been previously published as pathogenic or benign to our knowledge

Mayo Clinic Laboratories, Mayo Clinic
Classification: Uncertain significance. Last evaluated: 2025-08-14. Review status: criteria provided, single submitter. Criteria: ACMG Guidelines, 2015. Collection method: clinical testing. Allele origin: germline. Observed: 1 variant allele.
Comment: BP4_moderate

Labcorp Genetics (formerly Invitae), Labcorp
Classification: Uncertain significance. Last evaluated: 2022-07-30. Review status: criteria provided, single submitter. Criteria: Invitae Variant Classification Sherloc (09022015). Collection method: clinical testing. Allele origin: germline.
Comment: This sequence change replaces valine, which is neutral and non-polar, with methionine, which is neutral and non-polar, at codon 69 of the COX20 protein (p.Val69Met). This variant is present in population databases (rs185166083, gnomAD 0.02%). This variant has not been reported in the literature in individuals affected with COX20-related conditions. ClinVar contains an entry for this variant (Variation ID: 214272). Algorithms developed to predict the effect of missense changes on protein structure and function are either unavailable or do not agree on the potential impact of this missense change (SIFT: "Tolerated"; PolyPhen-2: "Probably Damaging"; Align-GVGD: "Class C0"). In summary, the available evidence is currently insufficient to determine the role of this variant in disease. Therefore, it has been classified as a Variant of Uncertain Significance.

Fulgent Genetics
Classification: Uncertain significance for Mitochondrial complex IV deficiency, nuclear type 11. Last evaluated: 2022-03-31. Review status: criteria provided, single submitter. Criteria: ACMG Guidelines, 2015. Collection method: clinical testing. Allele origin: unknown.